The following is an entry in ClinVar:

ClinVar aggregate classification (germline): Benign/Likely benign. Review status: criteria provided, multiple submitters, no conflicts (2 of 4 stars). 14 submissions from 14 submitters: Benign (10); Likely benign (1). 3 of the submissions do not count toward it. Last evaluated 2026-02-04.

Conditions:
Autosomal recessive nonsyndromic hearing loss 3. Also called: NEUROSENSORY NONSYNDROMIC RECESSIVE DEAFNESS 3. Identifiers: Orphanet 90636, MedGen C1838263, MONDO:0010860, OMIM 600316.

Allele frequency attached by ClinVar (database versions not stated): ESP Exome Variant Server 0.33543; gnomAD 0.39950 and 0.41183; TOPMed 0.41391; gnomAD exomes 0.45341; ExAC 0.52888; 1000 Genomes Project 30x 0.54966; 1000 Genomes Project 0.55351.
gnomAD v4.1: 583,527 of 1,595,982 alleles (37%); highest among the groups gnomAD compares: South Asian, 70%; 117,170 homozygotes.

Submissions (14):

Labcorp Genetics (formerly Invitae), Labcorp
Classification: Benign. Last evaluated: 2026-02-04. Review status: criteria provided, single submitter. Criteria: Invitae Variant Classification Sherloc (09022015). Collection method: clinical testing. Allele origin: germline.

Women's Health and Genetics/Laboratory Corporation of America, LabCorp
Classification: Likely benign. Last evaluated: 2026-01-08. Review status: criteria provided, single submitter. Criteria: LabCorp Variant Classification Summary - May 2015. Collection method: clinical testing. Allele origin: germline.

ARUP Laboratories, Molecular Genetics and Genomics, ARUP Laboratories
Classification: Benign for Autosomal recessive nonsyndromic hearing loss 3. Last evaluated: 2023-11-29. Review status: criteria provided, single submitter. Criteria: ARUP Molecular Germline Variant Investigation Process 2024. Collection method: clinical testing. Allele origin: germline.

Genome-Nilou Lab
Classification: Benign for Autosomal recessive nonsyndromic hearing loss 3. Last evaluated: 2021-09-05. Review status: criteria provided, single submitter. Criteria: ACMG Guidelines, 2015. Collection method: clinical testing. Allele origin: germline. Affected: no.

Mayo Clinic Laboratories, Mayo Clinic
Classification: Benign. Last evaluated: 2020-08-14. Review status: criteria provided, single submitter. Criteria: ACMG Guidelines, 2015. Collection method: clinical testing. Allele origin: germline. Observed: 103 variant alleles.

Illumina Laboratory Services, Illumina
Classification: Benign for Autosomal recessive nonsyndromic hearing loss 3. Last evaluated: 2018-01-13. Review status: criteria provided, single submitter. Criteria: ICSL Variant Classification Criteria 13 December 2019. Collection method: clinical testing. Allele origin: germline.
Comment: This variant was observed in the ICSL laboratory as part of a predisposition screen in an ostensibly healthy population. It had not been previously curated by ICSL or reported in the Human Gene Mutation Database (HGMD: prior to June 1st, 2018), and was therefore a candidate for classification through an automated scoring system. Utilizing variant allele frequency, disease prevalence and penetrance estimates, and inheritance mode, an automated score was calculated to assess if this variant is too frequent to cause the disease. Based on the score and internal cut-off values, a variant classified as benign is not then subjected to further curation. The score for this variant resulted in a classification of benign for this disease.

GeneDx
Classification: Benign. Last evaluated: 2017-05-11. Review status: criteria provided, single submitter. Criteria: GeneDx Variant Classification (06012015). Collection method: clinical testing. Allele origin: germline. Affected: yes.
Comment: This variant is considered likely benign or benign based on one or more of the following criteria: it is a conservative change, it occurs at a poorly conserved position in the protein, it is predicted to be benign by multiple in silico algorithms, and/or has population frequency not consistent with disease.

Eurofins Ntd Llc (ga)
Classification: Benign. Last evaluated: 2016-01-20. Review status: criteria provided, single submitter. Criteria: EGL Classification Definitions 2015. Collection method: clinical testing. Allele origin: germline. Observed: 15 variant alleles, 8 heterozygotes, 7 homozygotes.

Laboratory for Molecular Medicine, Mass General Brigham Personalized Medicine
Classification: Benign. Last evaluated: 2015-04-16. Review status: criteria provided, single submitter. Criteria: LMM Criteria. Collection method: clinical testing. Allele origin: germline. Observed: 548 variant alleles.
Comment: p.Ala595Thr in exon 2 of MYO15A: This variant is not expected to have clinical s ignificance because it has been identified in 52.9% (41979/79374) of chromosomes across various populations by the Exome Aggregation Consortium (ExAC; dbSNP rs2955365).

Breakthrough Genomics
Classification: Benign. Review status: criteria provided, single submitter. Criteria: ACMG Guidelines, 2015. Collection method: not provided. Allele origin: germline. Inheritance: Autosomal recessive inheritance. Affected: yes.

PreventionGenetics, part of Exact Sciences
Classification: Benign. Review status: criteria provided, single submitter. Criteria: ACMG Guidelines, 2015. Collection method: clinical testing. Allele origin: germline.

Clinical Genetics DNA and cytogenetics Diagnostics Lab, Erasmus MC, Erasmus Medical Center
Classification: Benign. Review status: no assertion criteria provided. Collection method: clinical testing. Allele origin: germline. Affected: yes. Study: VKGL Data-share Consensus. Not counted in ClinVar's aggregate classification.

Diagnostic Laboratory, Department of Genetics, University Medical Center Groningen
Classification: Benign for Autosomal recessive nonsyndromic hearing loss 3. Review status: no assertion criteria provided. Collection method: clinical testing. Allele origin: germline. Affected: yes. Study: VKGL Data-share Consensus. Not counted in ClinVar's aggregate classification.

Joint Genome Diagnostic Labs from Nijmegen and Maastricht, Radboudumc and MUMC+
Classification: Benign. Review status: no assertion criteria provided. Collection method: clinical testing. Allele origin: germline. Affected: yes. Study: VKGL Data-share Consensus. Not counted in ClinVar's aggregate classification.

NM_016239.4(MYO15A):c.1783G>A (p.Ala595Thr)

Gene: MYO15A (myosin XVA; plus strand). Cytogenetic location: 17p11.2.
Variant type: single nucleotide variant.
Coding change: c.1783G>A on transcript NM_016239.4 (MANE Select); coding-DNA position 1783, G replaced by A.
Protein change: p.Ala595Thr; replaces alanine 595 with threonine.
Molecular consequence: missense variant.
Genome position (GRCh38, 1-based): chr17:18,120,583, G>A. VCF-style: chr17-18120583-G-A. GRCh37 (hg19) VCF-style: chr17-18023897-G-A.
Other names: short protein forms A595T.
Identifiers: ClinVar variation 195315 (VCV000195315.39), dbSNP rs2955365, ClinGen allele CA241690.